The following is an entry in ClinVar:

ClinVar aggregate classification (germline): Conflicting classifications of pathogenicity. Review status: criteria provided, conflicting classifications (1 of 4 stars). 7 submissions from 7 submitters: Uncertain significance (6); Likely benign (1). Last evaluated 2026-06-26.

Conditions:
TTN-related disorder. Also called: TTN-related condition; TTN-related disease; TTN-related disorders.
Dilated cardiomyopathy 1G (CMD1G). Identifiers: Orphanet 154, MedGen C1858763, MONDO:0011400, OMIM 604145.
Autosomal recessive limb-girdle muscular dystrophy type 2J (LGMDR10). Also called: Limb-girdle muscular dystrophy, type 2J; MUSCULAR DYSTROPHY, LIMB-GIRDLE, AUTOSOMAL RECESSIVE 10. Identifiers: Orphanet 140922, MedGen C1837342, MONDO:0012127, OMIM 608807.

Allele frequency attached by ClinVar (database versions not stated): gnomAD exomes 0.00004; ExAC 0.00005; ESP Exome Variant Server 0.00008; 1000 Genomes Project 30x 0.00016; TOPMed 0.00017; gnomAD 0.00019 and 0.00022; 1000 Genomes Project 0.00020.
gnomAD v4.1: 56 of 1,613,392 alleles (0.0035%); highest among the groups gnomAD compares: African/African-American, 0.067%; no homozygotes.

Submissions (7):

Women's Health and Genetics/Laboratory Corporation of America, LabCorp
Classification: Uncertain significance. Last evaluated: 2026-06-26. Review status: criteria provided, single submitter. Criteria: LabCorp Variant Classification Summary - May 2015. Collection method: clinical testing. Allele origin: germline.

PreventionGenetics, part of Exact Sciences
Classification: Uncertain significance for TTN-related condition. Last evaluated: 2026-04-09. Review status: criteria provided, single submitter. Criteria: ACMG Guidelines, 2015. Collection method: clinical testing. Allele origin: germline.
Comment: The TTN c.21721G>A variant is predicted to result in the amino acid substitution p.Val7241Ile. To our knowledge, this variant has not been reported in the literature. This variant is reported in 0.058% of alleles in individuals of African descent in gnomAD. Although we suspect that this variant may be benign, at this time, the clinical significance of this variant is uncertain due to the absence of conclusive functional and genetic evidence.

GeneDx
Classification: Likely benign. Last evaluated: 2021-02-12. Review status: criteria provided, single submitter. Criteria: GeneDx Variant Classification Process June 2021. Collection method: clinical testing. Allele origin: germline. Affected: yes.

Revvity Omics, Revvity
Classification: Uncertain significance. Last evaluated: 2019-08-06. Review status: criteria provided, single submitter. Criteria: ACMG Guidelines, 2015. Collection method: clinical testing. Allele origin: germline.

Labcorp Genetics (formerly Invitae), Labcorp
Classification: Uncertain significance for Dilated cardiomyopathy 1G; Autosomal recessive limb-girdle muscular dystrophy type 2J. Last evaluated: 2017-08-23. Review status: criteria provided, single submitter. Criteria: Invitae Variant Classification Sherloc (09022015). Collection method: clinical testing. Allele origin: germline.

Laboratory for Molecular Medicine, Mass General Brigham Personalized Medicine
Classification: Uncertain significance. Last evaluated: 2017-05-22. Review status: criteria provided, single submitter. Criteria: LMM Criteria. Collection method: clinical testing. Allele origin: germline. Observed: 1 variant allele.
Comment: Variant classified as Uncertain Significance - Favor Benign. The p.Val5997Ile va riant in TTN has not been previously reported in individuals with cardiomyopathy , but has been identified in 0.06% (15/23956) of African chromosomes by the geno me Aggregation Database (gnomAD; dbSNP rs3678 54582). Computational prediction tools and conservation analysis suggest that th e p.Val5997Ile variant may not impact the protein, though this information is no t predictive enough to rule out pathogenicity. In summary, while the clinical si gnificance of the p.Val5997Ile variant is uncertain, these data suggest that it is more likely to be benign.

Eurofins Ntd Llc (ga)
Classification: Uncertain significance. Last evaluated: 2016-10-25. Review status: criteria provided, single submitter. Criteria: EGL Classification Definitions 2015. Collection method: clinical testing. Allele origin: germline. Observed: 2 variant alleles, 2 heterozygotes.

NM_001267550.2(TTN):c.21721G>A (p.Val7241Ile)

Gene: TTN (titin; minus strand). Cytogenetic location: 2q31.2.
Variant type: single nucleotide variant.
Coding change: c.21721G>A on transcript NM_001267550.2 (MANE Select); coding-DNA position 21721, G replaced by A.
Protein change: p.Val7241Ile; replaces valine 7241 with isoleucine.
Molecular consequence: missense variant. On other transcripts: intron variant (3).
Genome position (GRCh38, 1-based): chr2:178,723,286, C>T on the plus strand (G>A on the coding strand, the complement: TTN is on the minus strand). VCF-style: chr2-178723286-C-T. GRCh37 (hg19) VCF-style: chr2-179588013-C-T.
Other names: c.17989G>A, p.Val5997Ile (NM_133378.4); c.20770G>A, p.Val6924Ile (NM_001256850.1); c.13282+14796G>A (NM_003319.4); c.13858+14796G>A (NM_133437.4); c.13657+14796G>A (NM_133432.3); short protein forms V5997I, V7241I, V6924I.
Identifiers: ClinVar variation 497849 (VCV000497849.19), dbSNP rs367854582, ClinGen allele CA2000959.